The following is an entry in ClinVar:

NM_000153.4(GALC):c.1835C>T (p.Ala612Val)

Gene: GALC (galactosylceramidase; minus strand). Cytogenetic location: 14q31.3.
Variant type: single nucleotide variant.
Coding change: c.1835C>T on transcript NM_000153.4 (MANE Select); coding-DNA position 1835, C replaced by T.
Protein change: p.Ala612Val; replaces alanine 612 with valine.
Molecular consequence: missense variant. On other transcripts: non-coding transcript variant (1).
Genome position (GRCh38, 1-based): chr14:87,939,981, G>A on the plus strand (C>T on the coding strand, the complement: GALC is on the minus strand). VCF-style: chr14-87939981-G-A. GRCh37 (hg19) VCF-style: chr14-88406325-G-A.
Other names: c.1766C>T, p.Ala589Val (NM_001201401.2); c.1757C>T, p.Ala586Val (NM_001201402.2); c.1667C>T, p.Ala556Val (NM_001424071.1, NM_001424072.1, NM_001424073.1); c.1487C>T, p.Ala496Val (NM_001424074.1, NM_001424075.1); c.1202C>T, p.Ala401Val (NM_001424076.1, NM_001424077.1); short protein forms A401V, A496V, A556V, A586V, A589V, A612V.
Identifiers: ClinVar variation 2689106 (VCV002689106.3), dbSNP rs1468731789, ClinGen allele CA390745562.

ClinVar aggregate classification (germline): Uncertain significance. Review status: criteria provided, multiple submitters, no conflicts (2 of 4 stars). 2 submissions from 2 submitters: Uncertain significance (2). Last evaluated 2025-10-26.

Conditions:
Galactosylceramide beta-galactosidase deficiency. Also called: Leukodystrophy, Globoid Cell; Krabbe Disease; GALACTOCEREBROSIDASE DEFICIENCY; GALC DEFICIENCY; GLOBOID CELL LEUKOENCEPHALOPATHY. Identifiers: Orphanet 487, MedGen C0023521, MONDO:0009499, OMIM 245200.

Allele frequency attached by ClinVar (database versions not stated): TOPMed below 0.00001; gnomAD 0.00001.
gnomAD v4.1: 3 of 1,605,950 alleles (0.00019%); highest among the groups gnomAD compares: Middle Eastern, 0.017%; no homozygotes.

Submissions (2):

Labcorp Genetics (formerly Invitae), Labcorp
Classification: Uncertain significance for Galactosylceramide beta-galactosidase deficiency. Last evaluated: 2025-10-26. Review status: criteria provided, single submitter. Criteria: Invitae Variant Classification Sherloc (09022015). Collection method: clinical testing. Allele origin: germline.
Comment: This sequence change replaces alanine, which is neutral and non-polar, with valine, which is neutral and non-polar, at codon 612 of the GALC protein (p.Ala612Val). This variant is present in population databases (no rsID available, gnomAD 0.01%). This missense change has been observed in individual(s) with a positive newborn screening result for GALC-related disease (PMID: 26795590). ClinVar contains an entry for this variant (Variation ID: 2689106). An algorithm developed to predict the effect of missense changes on protein structure and function (PolyPhen-2) suggests that this variant is likely to be disruptive. Experimental studies have shown that this missense change does not substantially affect GALC function (PMID: 27638593). In summary, the available evidence is currently insufficient to determine the role of this variant in disease. Therefore, it has been classified as a Variant of Uncertain Significance.

Revvity Omics, Revvity
Classification: Uncertain significance. Last evaluated: 2024-02-14. Review status: criteria provided, single submitter. Criteria: ACMG Guidelines, 2015. Collection method: clinical testing. Allele origin: germline.

Literature cited by the submitters: PubMed 26795590 (cited by Labcorp Genetics (formerly Invitae), Labcorp); PubMed 27638593 (cited by Labcorp Genetics (formerly Invitae), Labcorp).